The following is an entry in ClinVar:

NM_001009944.3(PKD1):c.11713-5C>T

Gene: PKD1 (polycystin 1, transient receptor potential channel interacting; minus strand). Cytogenetic location: 16p13.3.
Variant type: single nucleotide variant.
Coding change: c.11713-5C>T on transcript NM_001009944.3 (MANE Select); 5 bases into the intron before coding-DNA position 11713, C replaced by T.
Molecular consequence: intron variant.
Genome position (GRCh38, 1-based): chr16:2,091,179, G>A on the plus strand (C>T on the coding strand, the complement: PKD1 is on the minus strand). VCF-style: chr16-2091179-G-A. GRCh37 (hg19) VCF-style: chr16-2141180-G-A.
Other names: c.11710-5C>T (NM_000296.4).
Identifiers: ClinVar variation 4977231 (VCV004977231.1).

ClinVar aggregate classification (germline): Likely benign (1 of 4 stars; one submission).

Conditions:
PKD1-related disorder. Also called: PKD1-related condition.

gnomAD v4.1: 31 of 1,404,466 alleles (0.0022%); highest among the groups gnomAD compares: South Asian, 0.018%; no homozygotes.

Submission:

PreventionGenetics, part of Exact Sciences
Classification: Likely benign for PKD1-related condition. Last evaluated: 2025-12-08. Review status: criteria provided, single submitter. Criteria: ACMG Guidelines, 2015. Collection method: clinical testing. Allele origin: germline.
Comment: This variant is classified as likely benign based on ACMG/AMP sequence variant interpretation guidelines (Richards et al. 2015 PMID: 25741868, with internal and published modifications).